The following is an entry in ClinVar:

NM_001287.6(CLCN7):c.1936G>C (p.Val646Leu)

Gene: CLCN7 (chloride voltage-gated channel 7; minus strand). Cytogenetic location: 16p13.3.
Variant type: single nucleotide variant.
Coding change: c.1936G>C on transcript NM_001287.6 (MANE Select); coding-DNA position 1936, G replaced by C.
Protein change: p.Val646Leu; replaces valine 646 with leucine.
Molecular consequence: missense variant.
Genome position (GRCh38, 1-based): chr16:1,448,432, C>G on the plus strand (G>C on the coding strand, the complement: CLCN7 is on the minus strand). VCF-style: chr16-1448432-C-G. GRCh37 (hg19) VCF-style: chr16-1498433-C-G.
Other names: c.1864G>C, p.Val622Leu (NM_001114331.3); c.1936G>C (NM_001287.4); short protein forms V622L, V646L.
Identifiers: ClinVar variation 1991105 (VCV001991105.5), dbSNP rs375096271, ClinGen allele CA7809980.
Genomic context (GRCh38, chr16:1,448,432, plus strand): 5'-GCTCCACCACGGGGAAGCCGTTGTGATTGGACGCCGTGTCGCTCAGCACGTCCACAATGA[C>G]GCCGACCTTCTCACGCCGCCTCAGGCAGGTCACTGGTGTGCTCATCACCTCCCTGCCGGA-3'
Protein context (NP_001278.1, residues 636-656): TCLRRREKVG[Val646Leu]IVDVLSDTAS

ClinVar aggregate classification (germline): Uncertain significance. Review status: criteria provided, multiple submitters, no conflicts (2 of 4 stars). 2 submissions from 2 submitters: Uncertain significance (2). Last evaluated 2025-09-22.

Conditions:
Inborn genetic diseases. Identifiers: MedGen C0950123, MeSH D030342.

gnomAD v4.1: 30 of 1,612,276 alleles (0.0019%); highest among the groups gnomAD compares: Non-Finnish European, 0.0025%; no homozygotes.

Submissions (2):

Ambry Genetics
Classification: Uncertain significance for Inborn genetic diseases. Last evaluated: 2025-09-22. Review status: criteria provided, single submitter. Criteria: Ambry Variant Classification Scheme 2023. Collection method: clinical testing. Allele origin: germline.

Labcorp Genetics (formerly Invitae), Labcorp
Classification: Uncertain significance. Last evaluated: 2025-04-03. Review status: criteria provided, single submitter. Criteria: Invitae Variant Classification Sherloc (09022015). Collection method: clinical testing. Allele origin: germline.
Comment: This sequence change replaces valine, which is neutral and non-polar, with leucine, which is neutral and non-polar, at codon 646 of the CLCN7 protein (p.Val646Leu). This variant is present in population databases (rs375096271, gnomAD 0.004%). This variant has not been reported in the literature in individuals affected with CLCN7-related conditions. ClinVar contains an entry for this variant (Variation ID: 1991105). An algorithm developed to predict the effect of missense changes on protein structure and function (PolyPhen-2) suggests that this variant is likely to be tolerated. In summary, the available evidence is currently insufficient to determine the role of this variant in disease. Therefore, it has been classified as a Variant of Uncertain Significance.